The following is an entry in ClinVar:

ClinVar aggregate classification (germline): Uncertain significance. Review status: criteria provided, multiple submitters, no conflicts (2 of 4 stars). 3 submissions from 3 submitters: Uncertain significance (3). Last evaluated 2025-12-12.

Conditions:
Hereditary spastic paraplegia 11. Also called: Nakamura Osame syndrome; Spastic paraplegia, mental retardation and thin corpus callosum; Autosomal recessive hereditary spastic paraplegia, mental impairment, and thin corpus callosum; Spastic Paraplegia 11; SPASTIC PARAPLEGIA, AUTOSOMAL RECESSIVE, COMPLICATED, WITH THIN CORPUS CALLOSUM; SPASTIC PARAPLEGIA, AUTOSOMAL RECESSIVE, WITH MENTAL IMPAIRMENT AND THIN CORPUS CALLOSUM. Identifiers: Orphanet 2822, MedGen C1858479, MONDO:0011445, OMIM 604360.

Allele frequency attached by ClinVar (database versions not stated): ExAC 0.00002; gnomAD 0.00002; gnomAD exomes 0.00002; TOPMed 0.00002.
gnomAD v4.1: 26 of 1,612,296 alleles (0.0016%); highest among the groups gnomAD compares: Non-Finnish European, 0.0017%; no homozygotes.

Submissions (3):

Mayo Clinic Laboratories, Mayo Clinic
Classification: Uncertain significance. Last evaluated: 2025-12-12. Review status: criteria provided, single submitter. Criteria: ACMG Guidelines, 2015. Collection method: clinical testing. Allele origin: germline. Observed: 1 variant allele.
Comment: BP4_moderate

Labcorp Genetics (formerly Invitae), Labcorp
Classification: Uncertain significance for Hereditary spastic paraplegia 11. Last evaluated: 2022-09-12. Review status: criteria provided, single submitter. Criteria: Invitae Variant Classification Sherloc (09022015). Collection method: clinical testing. Allele origin: germline.
Comment: This sequence change replaces glutamic acid, which is acidic and polar, with glycine, which is neutral and non-polar, at codon 743 of the SPG11 protein (p.Glu743Gly). This variant is present in population databases (rs199617257, gnomAD 0.003%). This variant has not been reported in the literature in individuals affected with SPG11-related conditions. ClinVar contains an entry for this variant (Variation ID: 578059). Advanced modeling of protein sequence and biophysical properties (such as structural, functional, and spatial information, amino acid conservation, physicochemical variation, residue mobility, and thermodynamic stability) has been performed at Invitae for this missense variant, however the output from this modeling did not meet the statistical confidence thresholds required to predict the impact of this variant on SPG11 protein function. In summary, the available evidence is currently insufficient to determine the role of this variant in disease. Therefore, it has been classified as a Variant of Uncertain Significance.

Blueprint Genetics
Classification: Uncertain significance. Last evaluated: 2022-08-11. Review status: criteria provided, single submitter. Criteria: ACMG Guidelines, 2015. Collection method: clinical testing. Allele origin: germline.

NM_025137.4(SPG11):c.2228A>G (p.Glu743Gly)

Gene: SPG11 (SPG11 vesicle trafficking associated, spatacsin; minus strand). Cytogenetic location: 15q21.1.
Variant type: single nucleotide variant.
Coding change: c.2228A>G on transcript NM_025137.4 (MANE Select); coding-DNA position 2228, A replaced by G.
Protein change: p.Glu743Gly; replaces glutamic acid 743 with glycine.
Molecular consequence: missense variant.
Genome position (GRCh38, 1-based): chr15:44,626,347, T>C on the plus strand (A>G on the coding strand, the complement: SPG11 is on the minus strand). VCF-style: chr15-44626347-T-C. GRCh37 (hg19) VCF-style: chr15-44918545-T-C.
Other names: p.Glu743Gly; c.2228A>G, p.Glu743Gly (NM_001160227.2); short protein forms E743G.
Identifiers: ClinVar variation 578059 (VCV000578059.11), dbSNP rs199617257, ClinGen allele CA7535323.